The following is an entry in ClinVar:

ClinVar aggregate classification (germline): Benign/Likely benign. Review status: criteria provided, multiple submitters, no conflicts (2 of 4 stars). 3 submissions from 3 submitters: Benign (1); Likely benign (1). 1 of the submissions does not count toward it. Last evaluated 2026-01-16.

Conditions:
LIG1-related disorder. Also called: LIG1-related condition.

Allele frequency attached by ClinVar (database versions not stated): gnomAD exomes 0.00029 and 0.00080; ExAC 0.00102; 1000 Genomes Project 0.00200; 1000 Genomes Project 30x 0.00203; gnomAD 0.00314 and 0.00340; TOPMed 0.00351; ESP Exome Variant Server 0.00408.
gnomAD v4.1: 930 of 1,610,542 alleles (0.058%); highest among the groups gnomAD compares: African/African-American, 1.1%; 8 homozygotes.

Submissions (3):

Labcorp Genetics (formerly Invitae), Labcorp
Classification: Benign. Last evaluated: 2026-01-16. Review status: criteria provided, single submitter. Criteria: Invitae Variant Classification Sherloc (09022015). Collection method: clinical testing. Allele origin: germline.

Blueprint Genetics
Classification: Likely benign. Last evaluated: 2024-09-23. Review status: criteria provided, single submitter. Criteria: ACMG Guidelines, 2015. Collection method: clinical testing. Allele origin: germline.

PreventionGenetics, part of Exact Sciences
Classification: Likely benign for LIG1-related condition. Last evaluated: 2023-12-04. Review status: no assertion criteria provided. Collection method: clinical testing. Allele origin: germline. Not counted in ClinVar's aggregate classification.
Comment: This variant is classified as likely benign based on ACMG/AMP sequence variant interpretation guidelines (Richards et al. 2015 PMID: 25741868, with internal and published modifications).

NM_000234.3(LIG1):c.1726-8C>T

Gene: LIG1 (DNA ligase 1; minus strand). Cytogenetic location: 19q13.33.
Variant type: single nucleotide variant.
Coding change: c.1726-8C>T on transcript NM_000234.3 (MANE Select); 8 bases into the intron before coding-DNA position 1726, C replaced by T.
Molecular consequence: intron variant.
Genome position (GRCh38, 1-based): chr19:48,131,179, G>A on the plus strand (C>T on the coding strand, the complement: LIG1 is on the minus strand). VCF-style: chr19-48131179-G-A. GRCh37 (hg19) VCF-style: chr19-48634436-G-A.
Other names: c.1633-8C>T (NM_001289063.2); c.1636-8C>T (NM_001320971.2); c.1522-8C>T (NM_001289064.2); c.1723-8C>T (NM_001320970.2); c.1726-8C>T (NM_000234.2).
Identifiers: ClinVar variation 1167030 (VCV001167030.12), dbSNP rs112820248, ClinGen allele CA9546719.